The following is an entry in ClinVar:

NM_005076.5(CNTN2):c.2544+3G>A

Gene: CNTN2 (contactin 2; plus strand). Cytogenetic location: 1q32.1.
Variant type: single nucleotide variant.
Coding change: c.2544+3G>A on transcript NM_005076.5 (MANE Select); 3 bases into the intron after coding-DNA position 2544, G replaced by A.
Molecular consequence: intron variant.
Genome position (GRCh38, 1-based): chr1:205,070,541, G>A. VCF-style: chr1-205070541-G-A. GRCh37 (hg19) VCF-style: chr1-205039669-G-A.
Other names: c.2544+3G>A (NM_001346083.2).
Identifiers: ClinVar variation 658932 (VCV000658932.5), dbSNP rs372920039, ClinGen allele CA1351719.

ClinVar aggregate classification (germline): Uncertain significance (1 of 4 stars; one submission).

Conditions:
Epilepsy, familial adult myoclonic, 5 (EPEO5). Also called: CORTICAL MYOCLONIC TREMOR WITH EPILEPSY, FAMILIAL, 5. Identifiers: Orphanet 86814, MedGen C3809374, MONDO:0014167, OMIM 615400.

Allele frequency attached by ClinVar (database versions not stated): gnomAD exomes 0.00002 and 0.00005; ExAC 0.00004; ESP Exome Variant Server 0.00015; gnomAD 0.00023 and 0.00025; TOPMed 0.00026.

Submission:

Labcorp Genetics (formerly Invitae), Labcorp
Classification: Uncertain significance for Epilepsy, familial adult myoclonic, 5. Last evaluated: 2025-08-21. Review status: criteria provided, single submitter. Criteria: Invitae Variant Classification Sherloc (09022015). Collection method: clinical testing. Allele origin: germline.
Comment: This sequence change falls in intron 19 of the CNTN2 gene. It does not directly change the encoded amino acid sequence of the CNTN2 protein. It affects a nucleotide within the consensus splice site. This variant is present in population databases (rs372920039, gnomAD 0.08%). This variant has not been reported in the literature in individuals affected with CNTN2-related conditions. ClinVar contains an entry for this variant (Variation ID: 658932). Variants that disrupt the consensus splice site are a relatively common cause of aberrant splicing (PMID: 17576681, 9536098). Algorithms developed to predict the effect of sequence changes on RNA splicing suggest that this variant is not likely to affect RNA splicing. In summary, the available evidence is currently insufficient to determine the role of this variant in disease. Therefore, it has been classified as a Variant of Uncertain Significance.

Literature cited by the submitters: PubMed 17576681; PubMed 9536098.